The following is an entry in ClinVar:

ClinVar aggregate classification (germline): Pathogenic (1 of 4 stars; one submission).

Conditions:
Hereditary breast ovarian cancer syndrome. Also called: BRCA1- and BRCA2-Associated Hereditary Breast and Ovarian Cancer; Breast and ovarian cancer; Hereditary breast and ovarian cancer syndrome; Hereditary breast and ovarian cancer syndrome (HBOC); Hereditary breast and/or ovarian cancer syndrome; Hereditary breast and ovarian cancer. Identifiers: Orphanet 145, MedGen C0677776, MeSH D061325, MONDO:0003582. Disease mechanism: loss of function.

Submission:

Labcorp Genetics (formerly Invitae), Labcorp
Classification: Pathogenic for Hereditary breast ovarian cancer syndrome. Last evaluated: 2025-03-23. Review status: criteria provided, single submitter. Criteria: Invitae Variant Classification Sherloc (09022015). Collection method: clinical testing. Allele origin: germline.
Comment: This sequence change creates a premature translational stop signal (p.His318Glnfs*6) in the BRCA1 gene. It is expected to result in an absent or disrupted protein product. Loss-of-function variants in BRCA1 are known to be pathogenic (PMID: 20104584). This variant is not present in population databases (gnomAD no frequency). This variant has not been reported in the literature in individuals affected with BRCA1-related conditions. For these reasons, this variant has been classified as Pathogenic.

Literature cited by the submitters: PubMed 20104584.

NM_007294.4(BRCA1):c.954_958del (p.His318fs)

Gene: BRCA1 (BRCA1 DNA repair associated; minus strand). Cytogenetic location: 17q21.31.
Variant type: Deletion.
Coding change: c.954_958del on transcript NM_007294.4 (MANE Select); coding-DNA positions 954 to 958, 5 bases deleted (TAACA; older notation c.954_958delTAACA).
Protein change: p.His318fs; shifts the reading frame from histidine 318.
Molecular consequence: frameshift variant. On other transcripts: intron variant (137).
Genome position (GRCh38, 1-based): chr17:43,094,573-43,094,577, TGTTA deleted on the plus strand (TAACA on the coding strand, the reverse complement: BRCA1 is on the minus strand); deleting any 5 consecutive bases within chr17:43,094,573-43,094,581 gives the same sequence; the c. name uses the placement nearest the transcript's 3' end. VCF-style (leftmost placement, unchanged base first): chr17-43094572-CTGTTA-C. GRCh37 (hg19) VCF-style: chr17-41246589-CTGTTA-C.
Other names: c.690_694del, p.His230fs (NM_001407924.1, NM_001407925.1, NM_001407928.1 and 9 more transcripts); c.687_691del, p.His229fs (NM_001407932.1, NM_001407930.1, NM_001407931.1 and 2 more transcripts); c.813_817del, p.His271fs (NM_001407945.1, NM_007297.4, NM_001407692.1 and 29 more transcripts); c.621_625del, p.His207fs (NM_001407946.1, NM_001407947.1, NM_001407948.1 and 6 more transcripts); c.618_622del, p.His206fs (NM_001407954.1, NM_001407955.1, NM_001407956.1 and 1 more transcripts); c.741_745del, p.His247fs (NM_001407571.1, NM_001407853.1, NM_001407894.1 and 9 more transcripts); c.954_958del, p.His318fs (NM_001407581.1, NM_001407582.1, NM_001407583.1 and 30 more transcripts); c.573_577del, p.His191fs (NM_001407959.1, NM_001407960.1, NM_001407963.1); and 40 more; short protein forms H229fs, H230fs, H251fs, H292fs, H315fs, H318fs, H207fs, H248fs.
Identifiers: ClinVar variation 4715715 (VCV004715715.1).